The following is an entry in ClinVar:

ClinVar aggregate classification (germline): Uncertain significance (0 of 4 stars; one submission).

Conditions:
CEP290-related disorder. Also called: CEP290-related condition; CEP290-related disorders. Identifiers: MedGen CN239314.

Submission:

PreventionGenetics, part of Exact Sciences
Classification: Uncertain significance for CEP290-related condition. Last evaluated: 2024-02-06. Review status: no assertion criteria provided. Collection method: clinical testing. Allele origin: germline.
Comment: The CEP290 c.4050A>C variant is predicted to result in the amino acid substitution p.Lys1350Asn. To our knowledge, this variant has not been reported in the literature or in a large population database, indicating this variant is rare. At this time, the clinical significance of this variant is uncertain due to the absence of conclusive functional and genetic evidence.

NM_025114.4(CEP290):c.4050A>C (p.Lys1350Asn)

Gene: CEP290 (centrosomal protein 290; minus strand). Cytogenetic location: 12q21.32.
Variant type: single nucleotide variant.
Coding change: c.4050A>C on transcript NM_025114.4 (MANE Select); coding-DNA position 4050, A replaced by C.
Protein change: p.Lys1350Asn; replaces lysine 1350 with asparagine.
Molecular consequence: missense variant.
Genome position (GRCh38, 1-based): chr12:88,087,924, T>G on the plus strand (A>C on the coding strand, the complement: CEP290 is on the minus strand). VCF-style: chr12-88087924-T-G. GRCh37 (hg19) VCF-style: chr12-88481701-T-G.
Other names: short protein forms K1350N.
Identifiers: ClinVar variation 3061406 (VCV003061406.2), dbSNP rs763469027, ClinGen allele CA6712033.